The following is an entry in ClinVar:

NM_001374736.1(DST):c.21397C>T (p.Arg7133Cys)

Gene: DST (dystonin; minus strand). Cytogenetic location: 6p12.1.
Variant type: single nucleotide variant.
Coding change: c.21397C>T on transcript NM_001374736.1 (MANE Select); coding-DNA position 21397, C replaced by T.
Protein change: p.Arg7133Cys; replaces arginine 7133 with cysteine.
Molecular consequence: missense variant.
Genome position (GRCh38, 1-based): chr6:56,482,688, G>A on the plus strand (C>T on the coding strand, the complement: DST is on the minus strand). VCF-style: chr6-56482688-G-A. GRCh37 (hg19) VCF-style: chr6-56347486-G-A.
Other names: c.15040C>T, p.Arg5014Cys (NM_001144769.5); c.14626C>T, p.Arg4876Cys (NM_001144770.2); c.21397C>T, p.Arg7133Cys (NM_001374722.1); c.20437C>T, p.Arg6813Cys (NM_001374729.1); c.14179C>T, p.Arg4727Cys (NM_001374730.1); c.21424C>T, p.Arg7142Cys (NM_001374734.1); c.13528C>T, p.Arg4510Cys (NM_015548.5); c.14506C>T, p.Arg4836Cys (NM_183380.4); short protein forms R4727C, R4836C, R7133C, R4876C, R5014C, R6813C, R7142C, R4510C.
Identifiers: ClinVar variation 972042 (VCV000972042.10), dbSNP rs1465520965, ClinGen allele CA364512010.

ClinVar aggregate classification (germline): Uncertain significance (1 of 4 stars; one submission).

Conditions:
Epidermolysis bullosa simplex 3, localized or generalized intermediate, with BP230 deficiency (EBS3). Also called: Epidermolysis bullosa simplex, autosomal recessive 2; Epidermolysis bullosa simplex due to BP230 deficiency. Identifiers: Orphanet 412181, MedGen C3809470, MONDO:0014180, OMIM 615425.
Hereditary sensory and autonomic neuropathy type 6. Also called: Neuropathy, hereditary sensory and autonomic, type VI; HSAN VI. Identifiers: Orphanet 314381, MedGen C3539003, MONDO:0013839, OMIM 614653.

Allele frequency attached by ClinVar (database versions not stated): gnomAD exomes below 0.00001; TOPMed below 0.00001; gnomAD 0.00001.
gnomAD v4.1: 4 of 1,612,088 alleles (0.00025%); highest among the groups gnomAD compares: Admixed American, 0.0017%; no homozygotes.

Submission:

Labcorp Genetics (formerly Invitae), Labcorp
Classification: Uncertain significance for Epidermolysis bullosa simplex 3, localized or generalized intermediate, with BP230 deficiency; Hereditary sensory and autonomic neuropathy type 6. Last evaluated: 2022-11-16. Review status: criteria provided, single submitter. Criteria: Invitae Variant Classification Sherloc (09022015). Collection method: clinical testing. Allele origin: germline.
Comment: This sequence change replaces arginine, which is basic and polar, with cysteine, which is neutral and slightly polar, at codon 4510 of the DST protein (p.Arg4510Cys). The DST gene has multiple clinically relevant transcripts. This variant occurs in alternate transcript NM_015548.4, and corresponds to NM_001723.5:c.*132829C>T in the primary transcript. The frequency data for this variant in the population databases is considered unreliable, as metrics indicate poor data quality at this position in the gnomAD database. This variant has not been reported in the literature in individuals affected with DST-related conditions. Experimental studies and prediction algorithms are not available or were not evaluated, and the functional significance of this variant is currently unknown. In summary, the available evidence is currently insufficient to determine the role of this variant in disease. Therefore, it has been classified as a Variant of Uncertain Significance.